The following is an entry in ClinVar:

NM_001261826.3(AP3D1):c.3251C>T (p.Ser1084Phe)

Gene: AP3D1 (adaptor related protein complex 3 subunit delta 1; minus strand). Cytogenetic location: 19p13.3.
Variant type: single nucleotide variant.
Coding change: c.3251C>T on transcript NM_001261826.3 (MANE Select); coding-DNA position 3251, C replaced by T.
Protein change: p.Ser1084Phe; replaces serine 1084 with phenylalanine.
Molecular consequence: missense variant.
Genome position (GRCh38, 1-based): chr19:2,110,149, G>A on the plus strand (C>T on the coding strand, the complement: AP3D1 is on the minus strand). VCF-style: chr19-2110149-G-A. GRCh37 (hg19) VCF-style: chr19-2110148-G-A.
Other names: c.3215C>T, p.Ser1072Phe (NM_001374799.1); c.3065C>T, p.Ser1022Phe (NM_003938.8); short protein forms S1022F, S1084F, S1072F.
Identifiers: ClinVar variation 1986871 (VCV001986871.4), dbSNP rs938929196, ClinGen allele CA304147977.

ClinVar aggregate classification (germline): Uncertain significance (1 of 4 stars; one submission).

Allele frequency attached by ClinVar (database versions not stated): gnomAD exomes 0.00001.
gnomAD v4.1: 4 of 1,613,042 alleles (0.00025%); highest among the groups gnomAD compares: East Asian, 0.0022%; no homozygotes.

Submission:

Labcorp Genetics (formerly Invitae), Labcorp
Classification: Uncertain significance. Last evaluated: 2022-05-25. Review status: criteria provided, single submitter. Criteria: Invitae Variant Classification Sherloc (09022015). Collection method: clinical testing. Allele origin: germline.
Comment: This variant has not been reported in the literature in individuals affected with AP3D1-related conditions. This variant is present in population databases (no rsID available, gnomAD 0.0009%). This sequence change replaces serine, which is neutral and polar, with phenylalanine, which is neutral and non-polar, at codon 1084 of the AP3D1 protein (p.Ser1084Phe). Algorithms developed to predict the effect of missense changes on protein structure and function are either unavailable or do not agree on the potential impact of this missense change (SIFT: "Deleterious"; PolyPhen-2: "Benign"; Align-GVGD: "Class C0"). In summary, the available evidence is currently insufficient to determine the role of this variant in disease. Therefore, it has been classified as a Variant of Uncertain Significance.